The following is an entry in ClinVar:

NM_000535.7(PMS2):c.1636T>C (p.Phe546Leu)

Gene: PMS2 (PMS1 homolog 2, mismatch repair system component; minus strand). Cytogenetic location: 7p22.1.
Variant type: single nucleotide variant.
Coding change: c.1636T>C on transcript NM_000535.7 (MANE Select); coding-DNA position 1636, T replaced by C.
Protein change: p.Phe546Leu; replaces phenylalanine 546 with leucine.
Molecular consequence: missense variant. On other transcripts: non-coding transcript variant (1).
Genome position (GRCh38, 1-based): chr7:5,987,129, A>G on the plus strand (T>C on the coding strand, the complement: PMS2 is on the minus strand). VCF-style: chr7-5987129-A-G. GRCh37 (hg19) VCF-style: chr7-6026760-A-G.
Other names: c.1231T>C, p.Phe411Leu (NM_001322003.2, NM_001322004.2, NM_001322005.2 and 1 more transcripts); c.1480T>C, p.Phe494Leu (NM_001322006.2); c.1318T>C, p.Phe440Leu (NM_001322007.2, NM_001322008.2); c.1075T>C, p.Phe359Leu (NM_001322010.2); c.703T>C, p.Phe235Leu (NM_001322011.2, NM_001322012.2); c.1063T>C, p.Phe355Leu (NM_001322013.2); c.1636T>C, p.Phe546Leu (NM_001322014.2); c.1327T>C, p.Phe443Leu (NM_001322015.2); short protein forms F546L, F359L, F443L, F494L, F411L, F440L, F235L, F355L.
Identifiers: ClinVar variation 484302 (VCV000484302.9), dbSNP rs1554297427, ClinGen allele CA366741434.
Genomic context (GRCh38, chr7:5,987,129, plus strand): 5'-GCAAAACTCGAAATTTACATCCGGTATCTTCCTGGTTTGAATGGCAGTCCACATCTGAAA[A>G]AGAGTCGTCAGTTTTAGGCGCTTTCTCCTGAGAGTCCACATGTTCCTGCGAGCCCCTGTC-3'
Protein context (NP_000526.2, residues 536-556): QEKAPKTDDS[Phe546Leu]SDVDCHSNQE

ClinVar aggregate classification (germline): Conflicting classifications of pathogenicity. Review status: criteria provided, conflicting classifications (1 of 4 stars). 2 submissions from 2 submitters: Uncertain significance (1); Likely benign (1). Last evaluated 2025-11-19.

Conditions:
Hereditary nonpolyposis colorectal neoplasms. Identifiers: MedGen C0009405, MeSH D003123.
Hereditary cancer-predisposing syndrome. Also called: Neoplastic Syndromes, Hereditary; Tumor predisposition; Hereditary Cancer Syndrome; Hereditary neoplastic syndrome. Identifiers: Orphanet 140162, MedGen C0027672, MeSH D009386, MONDO:0015356.

Submissions (2):

Labcorp Genetics (formerly Invitae), Labcorp
Classification: Uncertain significance for Hereditary nonpolyposis colorectal neoplasms. Last evaluated: 2025-11-19. Review status: criteria provided, single submitter. Criteria: Invitae Variant Classification Sherloc (09022015). Collection method: clinical testing. Allele origin: germline.
Comment: This sequence change replaces phenylalanine, which is neutral and non-polar, with leucine, which is neutral and non-polar, at codon 546 of the PMS2 protein (p.Phe546Leu). This variant is not present in population databases (gnomAD no frequency). This missense change has been observed in individual(s) with breast cancer (PMID: 35449176). ClinVar contains an entry for this variant (Variation ID: 484302). Invitae Evidence Modeling incorporating data from in vitro experimental studies (internal data) indicates that this missense variant is not expected to disrupt PMS2 function with a negative predictive value of 95%. In summary, the available evidence is currently insufficient to determine the role of this variant in disease. Therefore, it has been classified as a Variant of Uncertain Significance.

Ambry Genetics
Classification: Likely benign for Hereditary cancer-predisposing syndrome. Last evaluated: 2024-06-11. Review status: criteria provided, single submitter. Criteria: Ambry Variant Classification Scheme 2023. Collection method: clinical testing. Allele origin: germline.

Literature cited by the submitters: PubMed 35449176 (cited by Labcorp Genetics (formerly Invitae), Labcorp).